The following is an entry in ClinVar:

NM_001377540.1(SLMAP):c.2429G>A (p.Arg810Gln)

Gene: SLMAP (sarcolemma associated protein; plus strand). Cytogenetic location: 3p14.3.
Variant type: single nucleotide variant.
Coding change: c.2429G>A on transcript NM_001377540.1 (MANE Select); coding-DNA position 2429, G replaced by A.
Protein change: p.Arg810Gln; replaces arginine 810 with glutamine.
Molecular consequence: missense variant. On other transcripts: non-coding transcript variant (1).
Genome position (GRCh38, 1-based): chr3:57,923,007, G>A. VCF-style: chr3-57923007-G-A. GRCh37 (hg19) VCF-style: chr3-57908734-G-A.
Other names: c.2264G>A, p.Arg755Gln (NM_001377559.1, NM_001304421.2, NM_001377557.1); c.2255G>A, p.Arg752Gln (NM_001377562.1, NM_001377921.1); c.2243G>A, p.Arg748Gln (NM_001377922.1); c.2204G>A, p.Arg735Gln (NM_001377923.1); c.2192G>A, p.Arg731Gln (NM_001377924.1); c.2141G>A, p.Arg714Gln (NM_001377925.1); c.857G>A, p.Arg286Gln (NM_001377926.1, NM_001377927.1); c.2327G>A, p.Arg776Gln (NM_007159.5, NM_001377549.1); and 9 more; short protein forms R752Q, R755Q, R769Q, R776Q, R793Q, R261Q, R286Q, R714Q.
Identifiers: ClinVar variation 2757025 (VCV002757025.4), dbSNP rs55766107, ClinGen allele CA2467374.

ClinVar aggregate classification (germline): Uncertain significance. Review status: criteria provided, multiple submitters, no conflicts (2 of 4 stars). 2 submissions from 2 submitters: Uncertain significance (2). Last evaluated 2025-08-09.

Conditions:
Brugada syndrome. Also called: Sudden unexpected nocturnal death syndrome; Sudden Unexplained Death Syndrome; Sudden Unexplained Nocturnal Death Syndrome (SUNDS); Sudden unexplained nocturnal death syndrome. Identifiers: Orphanet 130, MedGen C1142166, MONDO:0015263.

Allele frequency attached by ClinVar (database versions not stated): ExAC 0.00002; gnomAD 0.00003; TOPMed 0.00004; ESP Exome Variant Server 0.00015.
gnomAD v4.1: 30 of 1,613,562 alleles (0.0019%); highest among the groups gnomAD compares: Admixed American, 0.0067%; no homozygotes.

Submissions (2):

Ambry Genetics
Classification: Uncertain significance. Last evaluated: 2025-08-09. Review status: criteria provided, single submitter. Criteria: Ambry Variant Classification Scheme 2023. Collection method: clinical testing. Allele origin: germline.
Comment: The p.R776Q variant (also known as c.2327G>A), located in coding exon 20 of the SLMAP gene, results from a G to A substitution at nucleotide position 2327. The arginine at codon 776 is replaced by glutamine, an amino acid with highly similar properties. This amino acid position is conserved. In addition, this alteration is predicted to be tolerated by in silico analysis. Based on the available evidence, the clinical significance of this variant remains unclear.

Labcorp Genetics (formerly Invitae), Labcorp
Classification: Uncertain significance for Brugada syndrome. Last evaluated: 2024-12-24. Review status: criteria provided, single submitter. Criteria: Invitae Variant Classification Sherloc (09022015). Collection method: clinical testing. Allele origin: germline.
Comment: This sequence change replaces arginine, which is basic and polar, with glutamine, which is neutral and polar, at codon 776 of the SLMAP protein (p.Arg776Gln). This variant is present in population databases (rs55766107, gnomAD 0.01%). This variant has not been reported in the literature in individuals affected with SLMAP-related conditions. ClinVar contains an entry for this variant (Variation ID: 2757025). An algorithm developed to predict the effect of missense changes on protein structure and function outputs the following: PolyPhen-2: "Benign". The glutamine amino acid residue is found in multiple mammalian species, which suggests that this missense change does not adversely affect protein function. In summary, the available evidence is currently insufficient to determine the role of this variant in disease. Therefore, it has been classified as a Variant of Uncertain Significance.